The following is an entry in ClinVar:

ClinVar aggregate classification (germline): Uncertain significance (1 of 4 stars; one submission).

Allele frequency attached by ClinVar (database versions not stated): gnomAD exomes below 0.00001.
gnomAD v4.1: 1 of 1,604,812 alleles (0.000062%); highest among the groups gnomAD compares: Non-Finnish European, 0.000085%; no homozygotes.

Submission:

Labcorp Genetics (formerly Invitae), Labcorp
Classification: Uncertain significance. Last evaluated: 2021-05-20. Review status: criteria provided, single submitter. Criteria: Invitae Variant Classification Sherloc (09022015). Collection method: clinical testing. Allele origin: germline.
Comment: This variant has not been reported in the literature in individuals with IL6ST-related conditions. In summary, the available evidence is currently insufficient to determine the role of this variant in disease. Therefore, it has been classified as a Variant of Uncertain Significance. Algorithms developed to predict the effect of missense changes on protein structure and function are either unavailable or do not agree on the potential impact of this missense change (SIFT: "Tolerated"; PolyPhen-2: "Possibly Damaging"; Align-GVGD: "Class C0"). This variant is not present in population databases (ExAC no frequency). This sequence change replaces isoleucine with valine at codon 31 of the IL6ST protein (p.Ile31Val). The isoleucine residue is highly conserved and there is a small physicochemical difference between isoleucine and valine.

NM_002184.4(IL6ST):c.91A>G (p.Ile31Val)

Gene: IL6ST (interleukin 6 cytokine family signal transducer; minus strand). Cytogenetic location: 5q11.2.
Variant type: single nucleotide variant.
Coding change: c.91A>G on transcript NM_002184.4 (MANE Select); coding-DNA position 91, A replaced by G.
Protein change: p.Ile31Val; replaces isoleucine 31 with valine.
Molecular consequence: missense variant. On other transcripts: 5 prime UTR variant (3), non-coding transcript variant (2).
Genome position (GRCh38, 1-based): chr5:55,969,829, T>C on the plus strand (A>G on the coding strand, the complement: IL6ST is on the minus strand). VCF-style: chr5-55969829-T-C. GRCh37 (hg19) VCF-style: chr5-55265657-T-C.
Other names: c.91A>G, p.Ile31Val (NM_001190981.2, NM_001364275.2, NM_001364276.2 and 1 more transcripts); c.-702A>G (NM_001364277.2, NM_001364279.2); c.-692A>G (NM_001364278.2); short protein forms I31V.
Identifiers: ClinVar variation 1497780 (VCV001497780.8), dbSNP rs2111814925, ClinGen allele CA359771057.